The following is an entry in ClinVar:

NM_001385641.1(SAMD11):c.2038C>T (p.Pro680Ser)

Gene: SAMD11 (sterile alpha motif domain containing 11; plus strand). Cytogenetic location: 1p36.33.
Variant type: single nucleotide variant.
Coding change: c.2038C>T on transcript NM_001385641.1 (MANE Select); coding-DNA position 2038, C replaced by T.
Protein change: p.Pro680Ser; replaces proline 680 with serine.
Molecular consequence: missense variant.
Genome position (GRCh38, 1-based): chr1:943,043, C>T. VCF-style: chr1-943043-C-T. GRCh37 (hg19) VCF-style: chr1-878423-C-T.
Other names: c.2041C>T, p.Pro681Ser (NM_001385640.1); c.1549C>T, p.Pro517Ser (NM_152486.4); short protein forms P517S, P680S, P681S.
Identifiers: ClinVar variation 839655 (VCV000839655.7), dbSNP rs201075481, ClinGen allele CA503067.
Genomic context (GRCh38, chr1:943,043, plus strand): 5'-GAGGGGAAGGGGCTTTTCCCAGGGTCCACACTGCCCCTGGGCTTCCCTTATGCCGTCAGC[C>T]CCTACTTCCACACAGGTGGGCACCCCCACACTCTAGATCCTTCCAGAGGGCACAGGACTG-3'
Protein context (NP_001372570.1, residues 670-690): LPLGFPYAVS[Pro680Ser]YFHTGAVGGL

ClinVar aggregate classification (germline): Uncertain significance. Review status: criteria provided, multiple submitters, no conflicts (2 of 4 stars). 3 submissions from 3 submitters: Uncertain significance (3). Last evaluated 2024-10-22.

Allele frequency attached by ClinVar (database versions not stated): gnomAD exomes 0.00009; ExAC 0.00012; 1000 Genomes Project 0.00020; TOPMed 0.00022; ESP Exome Variant Server 0.00026; 1000 Genomes Project 30x 0.00031.
gnomAD v4.1: 65 of 1,532,166 alleles (0.0042%); highest among the groups gnomAD compares: African/African-American, 0.051%; no homozygotes.

Submissions (3):

Blueprint Genetics
Classification: Uncertain significance. Last evaluated: 2024-10-22. Review status: criteria provided, single submitter. Criteria: ACMG Guidelines, 2015. Collection method: clinical testing. Allele origin: germline.

Labcorp Genetics (formerly Invitae), Labcorp
Classification: Uncertain significance. Last evaluated: 2022-09-06. Review status: criteria provided, single submitter. Criteria: Invitae Variant Classification Sherloc (09022015). Collection method: clinical testing. Allele origin: germline.
Comment: This sequence change replaces proline, which is neutral and non-polar, with serine, which is neutral and polar, at codon 517 of the SAMD11 protein (p.Pro517Ser). This variant is present in population databases (rs201075481, gnomAD 0.06%). This variant has not been reported in the literature in individuals affected with SAMD11-related conditions. ClinVar contains an entry for this variant (Variation ID: 839655). Algorithms developed to predict the effect of missense changes on protein structure and function (SIFT, PolyPhen-2, Align-GVGD) all suggest that this variant is likely to be disruptive. In summary, the available evidence is currently insufficient to determine the role of this variant in disease. Therefore, it has been classified as a Variant of Uncertain Significance.

Ambry Genetics
Classification: Uncertain significance. Last evaluated: 2021-08-13. Review status: criteria provided, single submitter. Criteria: Ambry Variant Classification Scheme 2023. Collection method: clinical testing. Allele origin: germline.